The following is an entry in ClinVar:

ClinVar aggregate classification (germline): Pathogenic (1 of 4 stars; one submission).

gnomAD v4.1: 1 of 1,206,257 alleles (0.000083%); highest among the groups gnomAD compares: Non-Finnish European, 0.00011%; no homozygotes.

Submission:

Labcorp Genetics (formerly Invitae), Labcorp
Classification: Pathogenic. Last evaluated: 2021-06-05. Review status: criteria provided, single submitter. Criteria: Invitae Variant Classification Sherloc (09022015). Collection method: clinical testing. Allele origin: germline.
Comment: This sequence change creates a premature translational stop signal (p.Lys212*) in the CHM gene. It is expected to result in an absent or disrupted protein product. Loss-of-function variants in CHM are known to be pathogenic (PMID: 9067750, 23811034). This variant is not present in population databases (ExAC no frequency). This variant has not been reported in the literature in individuals with CHM-related conditions. Algorithms developed to predict the effect of sequence changes on RNA splicing suggest that this variant may create or strengthen a splice site, but this prediction has not been confirmed by published transcriptional studies. For these reasons, this variant has been classified as Pathogenic.

Literature cited by the submitters: PubMed 9067750; PubMed 23811034.

NM_000390.4(CHM):c.634A>T (p.Lys212Ter)

Gene: CHM (CHM Rab escort protein; minus strand). Cytogenetic location: Xq21.2.
Variant type: single nucleotide variant.
Coding change: c.634A>T on transcript NM_000390.4 (MANE Select); coding-DNA position 634, A replaced by T.
Protein change: p.Lys212Ter; replaces lysine 212 with a stop codon.
Molecular consequence: nonsense.
Genome position (GRCh38, 1-based): chrX:85,963,733, T>A on the plus strand (A>T on the coding strand, the complement: CHM is on the minus strand). VCF-style: chrX-85963733-T-A. GRCh37 (hg19) VCF-style: chrX-85218738-T-A.
Other names: c.190A>T, p.Lys64Ter (NM_001320959.1, NM_001362517.1, NM_001362518.2 and 1 more transcripts); short protein forms K212*, K64*.
Identifiers: ClinVar variation 1432705 (VCV001432705.6), dbSNP rs781053852, ClinGen allele CA413786488.